The following is an entry in ClinVar:

NM_004977.3(KCNC3):c.1255G>A (p.Val419Ile)

Gene: KCNC3 (potassium voltage-gated channel subfamily C member 3; minus strand). Cytogenetic location: 19q13.33.
Variant type: single nucleotide variant.
Coding change: c.1255G>A on transcript NM_004977.3 (MANE Select); coding-DNA position 1255, G replaced by A.
Protein change: p.Val419Ile; replaces valine 419 with isoleucine.
Molecular consequence: missense variant.
Genome position (GRCh38, 1-based): chr19:50,323,698, C>T on the plus strand (G>A on the coding strand, the complement: KCNC3 is on the minus strand). VCF-style: chr19-50323698-C-T. GRCh37 (hg19) VCF-style: chr19-50826955-C-T.
Other names: c.1027G>A, p.Val343Ile (NM_001372305.1); short protein forms V343I, V419I.
Identifiers: ClinVar variation 2442148 (VCV002442148.19), dbSNP rs770686560, ClinGen allele CA9594265.

ClinVar aggregate classification (germline): Conflicting classifications of pathogenicity. Review status: criteria provided, conflicting classifications (1 of 4 stars). 2 submissions from 2 submitters: Uncertain significance (1); Likely benign (1). Last evaluated 2025-08-01.

Conditions:
Spinocerebellar ataxia type 13 (SCA13). Also called: Spinocerebellar Ataxia Type13. Identifiers: Orphanet 98768, MedGen C1854488, MONDO:0011529, OMIM 605259.

Allele frequency attached by ClinVar (database versions not stated): ExAC 0.00001; gnomAD exomes 0.00001; TOPMed 0.00001.
gnomAD v4.1: 9 of 1,614,194 alleles (0.00056%); highest among the groups gnomAD compares: Non-Finnish European, 0.00076%; no homozygotes.

Submissions (2):

CeGaT Center for Human Genetics Tuebingen
Classification: Likely benign. Last evaluated: 2025-08-01. Review status: criteria provided, single submitter. Criteria: CeGaT Center For Human Genetics Tuebingen Variant Classification Criteria Version 2. Collection method: clinical testing. Allele origin: germline. Affected: yes. Observed: 2 variant alleles.
Comment: KCNC3: PM1, BS2

Baylor Genetics
Classification: Uncertain significance for Spinocerebellar ataxia type 13. Last evaluated: 2022-02-21. Review status: criteria provided, single submitter. Criteria: ACMG Guidelines, 2015. Collection method: clinical testing. Allele origin: unknown.